The following is an entry in ClinVar:

NM_014915.3(ANKRD26):c.4223A>G (p.Asp1408Gly)

Gene: ANKRD26 (ankyrin repeat domain 26; minus strand). Cytogenetic location: 10p12.1.
Variant type: single nucleotide variant.
Coding change: c.4223A>G on transcript NM_014915.3 (MANE Select); coding-DNA position 4223, A replaced by G.
Protein change: p.Asp1408Gly; replaces aspartic acid 1408 with glycine.
Molecular consequence: missense variant.
Genome position (GRCh38, 1-based): chr10:27,017,785, T>C on the plus strand (A>G on the coding strand, the complement: ANKRD26 is on the minus strand). VCF-style: chr10-27017785-T-C. GRCh37 (hg19) VCF-style: chr10-27306714-T-C.
Other names: c.4220A>G, p.Asp1407Gly (NM_001256053.2); short protein forms D1408G, D1407G.
Identifiers: ClinVar variation 5023721 (VCV005023721.1).

ClinVar aggregate classification (germline): Uncertain significance (1 of 4 stars; one submission).

Conditions:
Inborn genetic diseases. Identifiers: MedGen C0950123, MeSH D030342.

gnomAD v4.1: 1 of 1,612,270 alleles (0.000062%); highest among the groups gnomAD compares: Non-Finnish European, 0.000085%; no homozygotes.

Submission:

Ambry Genetics
Classification: Uncertain significance for Inborn genetic diseases. Last evaluated: 2026-08-31. Review status: criteria provided, single submitter. Criteria: Ambry Variant Classification Scheme 2023. Collection method: clinical testing. Allele origin: germline.
Comment: The p.D1408G variant (also known as c.4223A>G), located in coding exon 30 of the ANKRD26 gene, results from an A to G substitution at nucleotide position 4223. The aspartic acid at codon 1408 is replaced by glycine, an amino acid with similar properties. This amino acid position is conserved. In addition, this alteration is predicted to be tolerated by in silico analysis. Based on the available evidence, the clinical significance of this variant remains unclear.